The following is an entry in ClinVar:

NM_031407.7(HUWE1):c.6707G>A (p.Ser2236Asn)

Gene: HUWE1 (HECT, UBA and WWE domain containing E3 ubiquitin protein ligase 1; minus strand). Cytogenetic location: Xp11.22.
Variant type: single nucleotide variant.
Coding change: c.6707G>A on transcript NM_031407.7 (MANE Select); coding-DNA position 6707, G replaced by A.
Protein change: p.Ser2236Asn; replaces serine 2236 with asparagine.
Molecular consequence: missense variant.
Genome position (GRCh38, 1-based): chrX:53,568,692, C>T on the plus strand (G>A on the coding strand, the complement: HUWE1 is on the minus strand). VCF-style: chrX-53568692-C-T. GRCh37 (hg19) VCF-style: chrX-53595652-C-T.
Other names: c.6707G>A (NM_031407.6); short protein forms S2236N.
Identifiers: ClinVar variation 2136030 (VCV002136030.5), dbSNP rs2524419984, ClinGen allele CA413162983.

ClinVar aggregate classification (germline): Conflicting classifications of pathogenicity. Review status: criteria provided, conflicting classifications (1 of 4 stars). 2 submissions from 2 submitters: Likely pathogenic (1); Uncertain significance (1). Last evaluated 2025-10-13.

Conditions:
Intellectual developmental disorder, X-linked, syndromic, Turner type. Also called: X-linked intellectual disability, Turner type; Intellectual disability, X-linked syndromic, Turner type. Identifiers: Orphanet 3056, Orphanet 85328, MedGen C2678046, MONDO:0010407, OMIM 309590.

Submissions (2):

GeneDx
Classification: Uncertain significance. Last evaluated: 2025-10-13. Review status: criteria provided, single submitter. Criteria: GeneDx Variant Classification Process June 2021. Collection method: clinical testing. Allele origin: germline. Affected: yes.
Comment: Not observed at significant frequency in large population cohorts (gnomAD); In silico analysis supports a deleterious effect on splicing; In silico analysis suggests that this missense variant does not alter protein structure/function; Has not been previously published as pathogenic or benign to our knowledge

Victorian Clinical Genetics Services, Murdoch Childrens Research Institute
Classification: Likely pathogenic for Intellectual developmental disorder, X-linked, syndromic, Turner type. Last evaluated: 2024-10-10. Review status: criteria provided, single submitter. Criteria: ACMG Guidelines, 2015. Collection method: clinical testing. Allele origin: germline. Inheritance: X-linked inheritance. Affected: yes.
Comment: Based on the classification scheme VCGS_Germline_v1.3.4, this variant is classified as Likely pathogenic. Following criteria are met: 0103 - Loss of function and gain of function are known mechanisms of disease in this gene and are associated with intellectual developmental disorder, X-linked syndromic, Turner type (MIM#309590) (PMID: 27130160). (I) 0110 - This gene is associated with X-linked disease. Due to skewed X-inactivation, heterozygous females can be variably affected ranging from asymptomatic to fully manifesting the condition (PMID: 29180823). (I) 0200 - Variant is predicted to result in a missense amino acid change from serine to asparagine. The variant is also in a splice region as it affects the last nucleotide of an exon. (I) 0253 - This variant is hemizygous. (I) 0301 - Variant is absent from gnomAD (both v2 and v3). (SP) 0505 - Abnormal splicing is predicted by in silico tools and affected nucleotide is highly conserved. This residue is also highly conserved, with conflicting missense in silico predictions. (SP) 0604 - Variant is not located in an established domain, motif, hotspot or informative constraint region. (I) 0705 - No comparable missense variants have previous evidence for pathogenicity. (I) 0809 - Previous evidence of pathogenicity for this variant is inconclusive. This variant has been classified as a VUS by a clinical laboratory in ClinVar. (I) 0905 - No published segregation evidence has been identified for this variant. (I) 1007 - No published functional evidence has been identified for this variant. (SP) Legend: (SP) - Supporting pathogenic, (I) - Information, (SB) - Supporting benign

Literature cited by the submitters: PubMed 27130160 (cited by Victorian Clinical Genetics Services, Murdoch Childrens Research Institute); PubMed 29180823 (cited by Victorian Clinical Genetics Services, Murdoch Childrens Research Institute).